The following is an entry in ClinVar:

NM_000260.4(MYO7A):c.6052-3C>T

Gene: MYO7A (myosin VIIA; plus strand). Cytogenetic location: 11q13.5.
Variant type: single nucleotide variant.
Coding change: c.6052-3C>T on transcript NM_000260.4 (MANE Select); 3 bases into the intron before coding-DNA position 6052, C replaced by T.
Molecular consequence: intron variant.
Genome position (GRCh38, 1-based): chr11:77,211,149, C>T. VCF-style: chr11-77211149-C-T. GRCh37 (hg19) VCF-style: chr11-76922194-C-T.
Other names: c.5905-3C>T (NM_001369365.1); c.5938-3C>T (NM_001127180.2).
Identifiers: ClinVar variation 954098 (VCV000954098.12), dbSNP rs368782885, ClinGen allele CA6198927.

ClinVar aggregate classification (germline): Uncertain significance. Review status: criteria provided, single submitter (1 of 4 stars). 2 submissions from 2 submitters: Uncertain significance (1). 1 of the submissions does not count toward it. Last evaluated 2023-11-28.

Conditions:
Usher syndrome type 1B (USH1B). Also called: Usher syndrome type IB. Identifiers: MedGen C1848638, MONDO:0700087.

Allele frequency attached by ClinVar (database versions not stated): gnomAD 0.00001; gnomAD exomes 0.00001; TOPMed 0.00002; ExAC 0.00005; ESP Exome Variant Server 0.00008; 1000 Genomes Project 30x 0.00016; 1000 Genomes Project 0.00020.
gnomAD v4.1: 12 of 1,567,424 alleles (0.00077%); highest among the groups gnomAD compares: African/African-American, 0.0095%; no homozygotes.

Submissions (3):

Labcorp Genetics (formerly Invitae), Labcorp
Classification: Uncertain significance. Last evaluated: 2023-11-28. Review status: criteria provided, single submitter. Criteria: Invitae Variant Classification Sherloc (09022015). Collection method: clinical testing. Allele origin: germline.
Comment: This sequence change falls in intron 44 of the MYO7A gene. It does not directly change the encoded amino acid sequence of the MYO7A protein. It affects a nucleotide within the consensus splice site. The frequency data for this variant in the population databases is considered unreliable, as metrics indicate poor data quality at this position in the gnomAD database. This variant has not been reported in the literature in individuals affected with MYO7A-related conditions. ClinVar contains an entry for this variant (Variation ID: 954098). Variants that disrupt the consensus splice site are a relatively common cause of aberrant splicing (PMID: 17576681, 9536098). Algorithms developed to predict the effect of sequence changes on RNA splicing suggest that this variant is not likely to affect RNA splicing. In summary, the available evidence is currently insufficient to determine the role of this variant in disease. Therefore, it has been classified as a Variant of Uncertain Significance.

Natera, Inc.
Classification: Uncertain significance for Usher syndrome type 1B. Last evaluated: 2020-02-26. Review status: no assertion criteria provided. Collection method: clinical testing. Allele origin: germline. Not counted in ClinVar's aggregate classification.

Dr. Peter K. Rogan Lab, Western University
No classification provided (evidence only). Condition: Uterine carcinosarcoma. Review status: no classification provided. Collection method: in vitro. Allele origin: not applicable. Functional consequence: retained intron. Not counted in ClinVar's aggregate classification.

Literature cited by the submitters: PubMed 17576681 (cited by Labcorp Genetics (formerly Invitae), Labcorp); PubMed 9536098 (cited by Labcorp Genetics (formerly Invitae), Labcorp).